The following is an entry in ClinVar:

NM_021968.4(H4C11):c.269C>G (p.Ala90Gly)

Gene: H4C11 (H4 clustered histone 11; plus strand). Cytogenetic location: 6p22.1.
Variant type: single nucleotide variant.
Coding change: c.269C>G on transcript NM_021968.4 (MANE Select); coding-DNA position 269, C replaced by G.
Protein change: p.Ala90Gly; replaces alanine 90 with glycine.
Molecular consequence: missense variant.
Genome position (GRCh38, 1-based): chr6:27,824,393, C>G. VCF-style: chr6-27824393-C-G. GRCh37 (hg19) VCF-style: chr6-27792171-C-G.
Other names: short protein forms A90G.
Identifiers: ClinVar variation 3392541 (VCV003392541.1).

ClinVar aggregate classification (germline): Uncertain significance (1 of 4 stars; one submission).

Conditions:
Tessadori-van Haaften neurodevelopmental syndrome 2 (TEBIVANED2). Identifiers: MedGen C5676923, MONDO:0030730, OMIM 619759.

Submission:

MVZ Medizinische Genetik Mainz
Classification: Uncertain significance for Tessadori-van Haaften neurodevelopmental syndrome 2. Last evaluated: 2024-11-21. Review status: criteria provided, single submitter. Criteria: UK Practice Guidelines For Variant Classification V4 01 2020. Collection method: clinical testing. Allele origin: germline. Inheritance: Autosomal dominant inheritance. Affected: yes. Observed: 1 variant allele.
Comment: ACMG Criteria: PP3_MOD,PM2_SUP